The following is an entry in ClinVar:

NM_001378120.1(MBD5):c.2074G>C (p.Gly692Arg)

Gene: MBD5 (methyl-CpG binding domain protein 5; plus strand). Cytogenetic location: 2q23.1.
Variant type: single nucleotide variant.
Coding change: c.2074G>C on transcript NM_001378120.1 (MANE Select); coding-DNA position 2074, G replaced by C.
Protein change: p.Gly692Arg; replaces glycine 692 with arginine.
Molecular consequence: missense variant.
Genome position (GRCh38, 1-based): chr2:148,470,017, G>C. VCF-style: chr2-148470017-G-C. GRCh37 (hg19) VCF-style: chr2-149227586-G-C.
Other names: c.2074G>C, p.Gly692Arg (NM_018328.5); short protein forms G692R.
Identifiers: ClinVar variation 3392940 (VCV003392940.2).

ClinVar aggregate classification (germline): Uncertain significance (1 of 4 stars; one submission).

Submission:

GeneDx
Classification: Uncertain significance. Last evaluated: 2026-07-29. Review status: criteria provided, single submitter. Criteria: GeneDx Variant Classification Process June 2021. Collection method: clinical testing. Allele origin: germline.
Comment: Not observed at significant frequency in large population cohorts (gnomAD); In silico analysis suggests that this missense variant does not alter protein structure/function; Has not been previously published as pathogenic or benign to our knowledge